The following is an entry in ClinVar:

NM_006947.4(SRP72):c.261C>T (p.Cys87=)

Gene: SRP72 (signal recognition particle 72; plus strand). Cytogenetic location: 4q12.
Variant type: single nucleotide variant.
Coding change: c.261C>T on transcript NM_006947.4 (MANE Select); coding-DNA position 261, C replaced by T.
Protein change: p.Cys87=; no amino-acid change (cysteine 87 retained).
Molecular consequence: synonymous variant. On other transcripts: non-coding transcript variant (1).
Genome position (GRCh38, 1-based): chr4:56,471,750, C>T. VCF-style: chr4-56471750-C-T. GRCh37 (hg19) VCF-style: chr4-57337916-C-T.
Other names: c.261C>T (NM_006947.3); c.261C>T, p.Cys87= (NM_001267722.2).
Identifiers: ClinVar variation 1590612 (VCV001590612.10), dbSNP rs374375786, ClinGen allele CA2931025.

ClinVar aggregate classification (germline): Likely benign. Review status: criteria provided, multiple submitters, no conflicts (2 of 4 stars). 3 submissions from 3 submitters: Likely benign (3). Last evaluated 2026-09-25.

Conditions:
SRP72-related disorder. Also called: SRP72-related condition.

Allele frequency attached by ClinVar (database versions not stated): gnomAD exomes 0.00001 and 0.00003; ExAC 0.00005; gnomAD 0.00009; TOPMed 0.00009; ESP Exome Variant Server 0.00015.
gnomAD v4.1: 40 of 1,613,348 alleles (0.0025%); highest among the groups gnomAD compares: African/African-American, 0.039%; no homozygotes.

Submissions (3):

PreventionGenetics, part of Exact Sciences
Classification: Likely benign for SRP72-related condition. Last evaluated: 2026-09-25. Review status: criteria provided, single submitter. Criteria: ACMG Guidelines, 2015. Collection method: clinical testing. Allele origin: germline.
Comment: This variant is classified as likely benign based on ACMG/AMP sequence variant interpretation guidelines (Richards et al. 2015 PMID: 25741868, with internal and published modifications).

Labcorp Genetics (formerly Invitae), Labcorp
Classification: Likely benign. Last evaluated: 2026-01-05. Review status: criteria provided, single submitter. Criteria: Invitae Variant Classification Sherloc (09022015). Collection method: clinical testing. Allele origin: germline.

Ambry Genetics
Classification: Likely benign. Last evaluated: 2024-11-23. Review status: criteria provided, single submitter. Criteria: Ambry Variant Classification Scheme 2023. Collection method: clinical testing. Allele origin: germline.